The following is an entry in ClinVar:

ClinVar aggregate classification (germline): Likely benign (1 of 4 stars; one submission).

Conditions:
BBS9-related disorder. Also called: BBS9-related condition.

Submission:

PreventionGenetics, part of Exact Sciences
Classification: Likely benign for BBS9-related condition. Last evaluated: 2025-04-21. Review status: criteria provided, single submitter. Criteria: ACMG Guidelines, 2015. Collection method: clinical testing. Allele origin: germline.
Comment: This variant is classified as likely benign based on ACMG/AMP sequence variant interpretation guidelines (Richards et al. 2015 PMID: 25741868, with internal and published modifications).

NM_198428.3(BBS9):c.328+10A>G

Gene: BBS9 (Bardet-Biedl syndrome 9; plus strand). Cytogenetic location: 7p14.3.
Variant type: single nucleotide variant.
Coding change: c.328+10A>G on transcript NM_198428.3 (MANE Select); 10 bases into the intron after coding-DNA position 328, A replaced by G.
Molecular consequence: intron variant.
Genome position (GRCh38, 1-based): chr7:33,155,712, A>G. VCF-style: chr7-33155712-A-G. GRCh37 (hg19) VCF-style: chr7-33195324-A-G.
Other names: c.328+10A>G (NM_001348036.1, NM_001362679.1, NM_001348041.4 and 5 more transcripts); c.55+10A>G (NM_001348038.3, NM_001348039.3); c.-39+2861A>G (NM_001348037.3, NM_001348045.3); c.193+10A>G (NM_001348042.3); c.-38-21766A>G (NM_001348046.3, NM_001348044.3).
Identifiers: ClinVar variation 4983082 (VCV004983082.1).